The following is an entry in ClinVar:

ClinVar aggregate classification (germline): Uncertain significance. Review status: criteria provided, multiple submitters, no conflicts (2 of 4 stars). 2 submissions from 2 submitters: Uncertain significance (2). Last evaluated 2025-11-07.

Conditions:
Hereditary cancer-predisposing syndrome. Also called: Hereditary Cancer Syndrome; Hereditary neoplastic syndrome; Tumor predisposition; Neoplastic Syndromes, Hereditary. Identifiers: Orphanet 140162, MedGen C0027672, MeSH D009386, MONDO:0015356.
Cardiovascular phenotype. Identifiers: MedGen CN230736.

Allele frequency attached by ClinVar (database versions not stated): ExAC 0.00002.
gnomAD v4.1: 2 of 1,613,814 alleles (0.00012%); highest among the groups gnomAD compares: East Asian, 0.0022%; no homozygotes.

Submissions (2):

Ambry Genetics
Classification: Uncertain significance for Cardiovascular phenotype; Hereditary cancer-predisposing syndrome. Last evaluated: 2025-11-07. Review status: criteria provided, single submitter. Criteria: Ambry Variant Classification Scheme 2023. Collection method: clinical testing. Allele origin: germline.
Comment: The p.D819G variant (also known as c.2456A>G), located in coding exon 21 of the LZTR1 gene, results from an A to G substitution at nucleotide position 2456. The aspartic acid at codon 819 is replaced by glycine, an amino acid with similar properties. This amino acid position is conserved. In addition, the in silico prediction for this alteration is inconclusive. Based on the available evidence, the clinical significance of this variant remains unclear.

Labcorp Genetics (formerly Invitae), Labcorp
Classification: Uncertain significance. Last evaluated: 2022-09-25. Review status: criteria provided, single submitter. Criteria: Invitae Variant Classification Sherloc (09022015). Collection method: clinical testing. Allele origin: germline.
Comment: In summary, the available evidence is currently insufficient to determine the role of this variant in disease. Therefore, it has been classified as a Variant of Uncertain Significance. This sequence change replaces aspartic acid, which is acidic and polar, with glycine, which is neutral and non-polar, at codon 819 of the LZTR1 protein (p.Asp819Gly). This variant is present in population databases (rs765969026, gnomAD 0.006%). This variant has not been reported in the literature in individuals affected with LZTR1-related conditions. Advanced modeling of protein sequence and biophysical properties (such as structural, functional, and spatial information, amino acid conservation, physicochemical variation, residue mobility, and thermodynamic stability) performed at Invitae indicates that this missense variant is not expected to disrupt LZTR1 protein function.

NM_006767.4(LZTR1):c.2456A>G (p.Asp819Gly)

Gene: LZTR1 (leucine zipper like post translational regulator 1; plus strand). Cytogenetic location: 22q11.21.
Variant type: single nucleotide variant.
Coding change: c.2456A>G on transcript NM_006767.4 (MANE Select); coding-DNA position 2456, A replaced by G.
Protein change: p.Asp819Gly; replaces aspartic acid 819 with glycine.
Molecular consequence: missense variant.
Genome position (GRCh38, 1-based): chr22:20,997,281, A>G. VCF-style: chr22-20997281-A-G. GRCh37 (hg19) VCF-style: chr22-21351570-A-G.
Other names: short protein forms D819G.
Identifiers: ClinVar variation 1791547 (VCV001791547.8), dbSNP rs765969026, ClinGen allele CA10119468.
Genomic context (GRCh38, chr22:20,997,281, plus strand): 5'-TTGCCTTACAGGTCTCCAAGTTGCCCACCCTGCGGTCGCTGAGCCAGCAGCTGCTGCTGG[A>G]CATCATAGACTCCCTGGCCTCCCACATCTCAGACAAGCAGTGCGCAGAGCTGGGCGCCGA-3'
Protein context (NP_006758.2, residues 809-829): LRSLSQQLLL[Asp819Gly]IIDSLASHIS